The following is an entry in ClinVar:

ClinVar aggregate classification (germline): Likely pathogenic. Review status: criteria provided, single submitter (1 of 4 stars). 2 submissions from 1 submitter: Likely pathogenic (2). Last evaluated 2026-04-01.

Conditions:
Primary ciliary dyskinesia. Also called: Ciliary dyskinesia. Identifiers: Orphanet 244, MedGen C0008780, MONDO:0016575, HP:0012265.
Primary ciliary dyskinesia 7. Also called: CILIARY DYSKINESIA, PRIMARY, 7, WITH OR WITHOUT SITUS INVERSUS. Identifiers: Orphanet 244, MedGen C2678473, MONDO:0012748, OMIM 611884.

Submissions (2):

Department of Human Genetics, Hannover Medical School
Classification: Likely pathogenic for Primary Ciliary Dyskinesia. Last evaluated: 2026-04-01. Review status: criteria provided, single submitter. Criteria: ACMG Guidelines, 2015. Collection method: research. Allele origin: germline. Affected: no.
Comment: Classification performed by HerediClassify using the following criteria:['PM2_supporting: Variant occures does not occur as homozygous in gnomAD.', 'PVS1_protein_very_strong: Transcript ENST00000409508 is predicted to undergo NMD. ']

Department of Human Genetics, Hannover Medical School
Classification: Likely pathogenic for Primary ciliary dyskinesia 7. Last evaluated: 2024-12-12. Review status: criteria provided, single submitter. Criteria: ACMG Guidelines, 2015. Collection method: clinical testing. Allele origin: germline. Inheritance: Autosomal recessive inheritance. Affected: yes.

NM_001277115.2(DNAH11):c.6806del (p.Ser2269fs)

Gene: DNAH11 (dynein axonemal heavy chain 11; plus strand). Cytogenetic location: 7p15.3.
Variant type: Deletion.
Coding change: c.6806del on transcript NM_001277115.2 (MANE Select); coding-DNA position 6806, one base deleted (C; older notation c.6806delC).
Protein change: p.Ser2269fs; shifts the reading frame from serine 2269.
Molecular consequence: frameshift variant.
Genome position (GRCh38, 1-based): chr7:21,710,675, C deleted. VCF-style (leftmost placement, unchanged base first): chr7-21710674-TC-T. GRCh37 (hg19) VCF-style: chr7-21750292-TC-T.
Other names: short protein forms S2269fs.
Identifiers: ClinVar variation 3385339 (VCV003385339.2).